The following is an entry in ClinVar:

ClinVar aggregate classification (germline): Conflicting classifications of pathogenicity. Review status: criteria provided, conflicting classifications (1 of 4 stars). 6 submissions from 6 submitters: Uncertain significance (2); Likely benign (4). Last evaluated 2026-01-13.

Conditions:
Epidermolysis bullosa simplex, Ogna type (EBS5A). Also called: Pidermolysis bullosa simplex 5A, Ogna type; EPIDERMOLYSIS BULLOSA SIMPLEX 5A, OGNA TYPE. Identifiers: Orphanet 79401, MedGen C0432317, MONDO:0007555, OMIM 131950.
Epidermolysis bullosa simplex with nail dystrophy (EBS5D). Identifiers: MedGen C4225309, MONDO:0014661, OMIM 616487.
Autosomal recessive limb-girdle muscular dystrophy type 2Q (LGMDR17). Also called: MUSCULAR DYSTROPHY, LIMB-GIRDLE, AUTOSOMAL RECESSIVE 17. Identifiers: Orphanet 254361, MedGen C3150989, MONDO:0013390, OMIM 613723.
Epidermolysis bullosa simplex 5C, with pyloric atresia (EBS5C). Also called: Epidermolysis bullosa simplex with pyloric atresia; PLEC1-Related Epidermolysis Bullosa with Pyloric Atresia; PLEC-Related Epidermolysis Bullosa with Pyloric Atresia. Identifiers: Orphanet 158684, MedGen C2677349, MONDO:0012807, OMIM 612138.
Epidermolysis bullosa simplex 5B, with muscular dystrophy (EBS5B). Also called: Epidermolysis bullosa simplex with muscular dystrophy; EPIDERMOLYSIS BULLOSA SIMPLEX AND LIMB-GIRDLE MUSCULAR DYSTROPHY. Identifiers: Orphanet 257, MedGen C2931072, MONDO:0009181, OMIM 226670.

Allele frequency attached by ClinVar (database versions not stated): 1000 Genomes Project 30x 0.00016; gnomAD exomes 0.00017; gnomAD 0.00025 and 0.00027; TOPMed 0.00037.
gnomAD v4.1: 275 of 1,569,590 alleles (0.018%); highest among the groups gnomAD compares: African/African-American, 0.063%; no homozygotes.

Submissions (6):

Labcorp Genetics (formerly Invitae), Labcorp
Classification: Likely benign for Autosomal recessive limb-girdle muscular dystrophy type 2Q; Epidermolysis bullosa simplex, Ogna type; Epidermolysis bullosa simplex with nail dystrophy; Epidermolysis bullosa simplex 5C, with pyloric atresia; Epidermolysis bullosa simplex 5B, with muscular dystrophy. Last evaluated: 2026-01-13. Review status: criteria provided, single submitter. Criteria: Invitae Variant Classification Sherloc (09022015). Collection method: clinical testing. Allele origin: germline.

Women's Health and Genetics/Laboratory Corporation of America, LabCorp
Classification: Likely benign. Last evaluated: 2025-01-22. Review status: criteria provided, single submitter. Criteria: LabCorp Variant Classification Summary - May 2015. Collection method: clinical testing. Allele origin: germline.
Comment: Variant summary: PLEC c.5568C>T alters a conserved nucleotide resulting in a synonymous change. Consensus agreement among computation tools predict no significant impact on normal splicing. However, these predictions have yet to be confirmed by functional studies. The variant allele was found at a frequency of 0.00017 in 183592 control chromosomes. This frequency is not significantly higher than estimated for a pathogenic variant in PLEC causing PLEC-related conditions, allowing no conclusion about variant significance. To our knowledge, no occurrence of c.5568C>T in individuals affected with PLEC-related conditions and no experimental evidence demonstrating its impact on protein function have been reported. ClinVar contains an entry for this variant (Variation ID: 281392). Based on the evidence outlined above, the variant was classified as likely benign.

Blueprint Genetics
Classification: Likely benign. Last evaluated: 2024-09-05. Review status: criteria provided, single submitter. Criteria: ACMG Guidelines, 2015. Collection method: clinical testing. Allele origin: germline.

GeneDx
Classification: Likely benign. Last evaluated: 2020-09-11. Review status: criteria provided, single submitter. Criteria: GeneDx Variant Classification Process June 2021. Collection method: clinical testing. Allele origin: germline. Affected: yes.

Eurofins Ntd Llc (ga)
Classification: Uncertain significance. Last evaluated: 2017-12-28. Review status: criteria provided, single submitter. Criteria: EGL Classification Definitions 2015. Collection method: clinical testing. Allele origin: germline. Observed: 3 variant alleles, 3 heterozygotes.

CeGaT Center for Human Genetics Tuebingen
Classification: Uncertain significance. Last evaluated: 2016-06-01. Review status: criteria provided, single submitter. Criteria: CeGaT Center For Human Genetics Tuebingen Variant Classification Criteria Version 2. Collection method: clinical testing. Allele origin: germline. Affected: yes. Observed: 1 variant allele.

NM_201384.3(PLEC):c.5487C>T (p.Ala1829=)

Gene: PLEC (plectin; minus strand). Cytogenetic location: 8q24.3.
Variant type: single nucleotide variant.
Coding change: c.5487C>T on transcript NM_201384.3 (MANE Select); coding-DNA position 5487, C replaced by T.
Protein change: p.Ala1829=; no amino-acid change (alanine 1829 retained).
Molecular consequence: synonymous variant.
Genome position (GRCh38, 1-based): chr8:143,924,442, G>A on the plus strand (C>T on the coding strand, the complement: PLEC is on the minus strand). VCF-style: chr8-143924442-G-A. GRCh37 (hg19) VCF-style: chr8-144998610-G-A.
Other names: c.5568C>T, p.Ala1856= (NM_000445.5); c.5445C>T, p.Ala1815= (NM_201378.4); c.5421C>T, p.Ala1807= (NM_201379.3); c.5898C>T, p.Ala1966= (NM_201380.4); c.5391C>T, p.Ala1797= (NM_201381.3); c.5487C>T, p.Ala1829= (NM_201382.4); c.5499C>T, p.Ala1833= (NM_201383.3).
Identifiers: ClinVar variation 281392 (VCV000281392.58), dbSNP rs781998103, ClinGen allele CA4926347.